The following is an entry in ClinVar:

ClinVar aggregate classification (germline): Likely benign (1 of 4 stars; one submission).

Conditions:
MKS1-related disorder. Also called: MKS1-related disorders; MKS1-related condition. Identifiers: MedGen CN239382.

gnomAD v4.1: 1 of 1,613,750 alleles (0.000062%); highest among the groups gnomAD compares: Non-Finnish European, 0.000085%; no homozygotes.

Submission:

PreventionGenetics, part of Exact Sciences
Classification: Likely benign for MKS1-related condition. Last evaluated: 2025-11-11. Review status: criteria provided, single submitter. Criteria: ACMG Guidelines, 2015. Collection method: clinical testing. Allele origin: germline.
Comment: This variant is classified as likely benign based on ACMG/AMP sequence variant interpretation guidelines (Richards et al. 2015 PMID: 25741868, with internal and published modifications).

NM_017777.4(MKS1):c.1095+4T>C

Gene: MKS1 (MKS transition zone complex subunit 1; minus strand). Cytogenetic location: 17q22.
Variant type: single nucleotide variant.
Coding change: c.1095+4T>C on transcript NM_017777.4 (MANE Select); 4 bases into the intron after coding-DNA position 1095, T replaced by C.
Molecular consequence: intron variant.
Genome position (GRCh38, 1-based): chr17:58,208,509, A>G on the plus strand (T>C on the coding strand, the complement: MKS1 is on the minus strand). VCF-style: chr17-58208509-A-G. GRCh37 (hg19) VCF-style: chr17-56285870-A-G.
Other names: c.486+4T>C (NM_001321268.2); c.1095+4T>C (NM_001330397.2, NM_001321269.2, NM_001411113.1).
Identifiers: ClinVar variation 4991446 (VCV004991446.1).
Genomic context (GRCh38, chr17:58,208,509, plus strand): 5'-CCTCAAATGCCATCCCAGGAGCAGATCTCATTCCCTTCCAGATACCCGCTCTCATTCTCC[A>G]TACCATTGCCAGGGACTTGGTGGTGCAGGTCTGTGTTACTCCTGAGAGCTGCTGGAATGC-3'